The following is an entry in ClinVar:

NM_000074.3(CD40LG):c.349_409+2del

Gene: CD40LG (CD40 ligand; plus strand). Cytogenetic location: Xq26.
Variant type: Deletion.
Coding change: c.349_409+2del on transcript NM_000074.3 (MANE Select); coding-DNA position 349 through the canonical splice donor site of the intron after coding-DNA position 409, this stretch deleted.
Molecular consequence: splice acceptor variant, splice donor variant.
Other names: c.347_409del (NM_000074.3).
Identifiers: ClinVar variation 11165 (VCV000011165.4), dbSNP rs2148552900, ClinGen allele CA2499226386.

ClinVar aggregate classification (germline): Likely pathogenic. Review status: criteria provided, single submitter (1 of 4 stars). 2 submissions from 2 submitters: Likely pathogenic (1). 1 of the submissions does not count toward it. Last evaluated 2026-04-20.

Conditions:
Hyper-IgM syndrome type 1. Also called: Hyper-IgM Immunodeficiency Syndrome, Type 1; CD40 Ligand Deficiency; Immunodeficiency, X-linked, with hyper-IgM; X-linked hyper-IgM syndrome. Identifiers: Orphanet 101088, MedGen C0398689, MONDO:0010626, OMIM 308230.

Submissions (2):

Precision Medical Center, Wuhan Children's Hospital
Classification: Likely pathogenic for Hyper-IgM syndrome type 1. Last evaluated: 2026-04-20. Review status: criteria provided, single submitter. Criteria: ACMG Guidelines, 2015. Collection method: clinical testing. Allele origin: germline. Inheritance: X-linked recessive inheritance. Affected: yes. Observed: 1 variant allele, 1 hemizygote.
Comment: The NM_000074.3 c.347_409del, is a fragment deletion in CD40LG which is predicted to result in frameshift, and likely results in an absent or disrupted protein product (PVS1). This variant is not present in gnomAD or other database. (PM2). In summary, this variant meets criteria to be classified as likely pathogenic.

OMIM
Classification: Pathogenic for IMMUNODEFICIENCY WITH HYPER-IgM, TYPE 1. Last evaluated: 1993-02-11. Review status: no assertion criteria provided. Collection method: literature only. Allele origin: germline. Not counted in ClinVar's aggregate classification.

Literature cited by the submitters: PubMed 8094231 (cited by OMIM).